The following is an entry in ClinVar:

NM_016204.4(GDF2):c.221G>A (p.Gly74Glu)

Gene: GDF2 (growth differentiation factor 2; plus strand). Cytogenetic location: 10q11.22.
Variant type: single nucleotide variant.
Coding change: c.221G>A on transcript NM_016204.4 (MANE Select); coding-DNA position 221, G replaced by A.
Protein change: p.Gly74Glu; replaces glycine 74 with glutamic acid.
Molecular consequence: missense variant.
Genome position (GRCh38, 1-based): chr10:47,322,889, G>A. VCF-style: chr10-47322889-G-A. GRCh37 (hg19) VCF-style: chr10-48416473-C-T.
Other names: short protein forms G74E.
Identifiers: ClinVar variation 970260 (VCV000970260.16), dbSNP rs151296940, ClinGen allele CA5488187.

ClinVar aggregate classification (germline): Conflicting classifications of pathogenicity. Review status: criteria provided, conflicting classifications (1 of 4 stars). 5 submissions from 5 submitters: Uncertain significance (2); Benign (1); Likely benign (2). Last evaluated 2024-05-08.

Conditions:
Telangiectasia, hereditary hemorrhagic, type 5 (HHT5). Identifiers: Orphanet 774, MedGen C3809710, MONDO:0014217, OMIM 615506.
Cardiovascular phenotype. Identifiers: MedGen CN230736.

Allele frequency attached by ClinVar (database versions not stated): gnomAD exomes 0.00021 and 0.00030; gnomAD 0.00022 and 0.00024; TOPMed 0.00025; ExAC 0.00027; ESP Exome Variant Server 0.00046.

Submissions (5):

Blueprint Genetics
Classification: Likely benign. Last evaluated: 2024-05-08. Review status: criteria provided, single submitter. Criteria: ACMG Guidelines, 2015. Collection method: clinical testing. Allele origin: germline.

Ambry Genetics
Classification: Benign for Cardiovascular phenotype. Last evaluated: 2022-10-25. Review status: criteria provided, single submitter. Criteria: Ambry Variant Classification Scheme 2023. Collection method: clinical testing. Allele origin: germline.

Labcorp Genetics (formerly Invitae), Labcorp
Classification: Uncertain significance for Telangiectasia, hereditary hemorrhagic, type 5. Last evaluated: 2022-10-17. Review status: criteria provided, single submitter. Criteria: Invitae Variant Classification Sherloc (09022015). Collection method: clinical testing. Allele origin: germline.
Comment: This sequence change replaces glycine, which is neutral and non-polar, with glutamic acid, which is acidic and polar, at codon 74 of the GDF2 protein (p.Gly74Glu). This variant is present in population databases (rs151296940, gnomAD 0.04%). This missense change has been observed in individual(s) with pulmonary arterial hypertension (PMID: 31661308). ClinVar contains an entry for this variant (Variation ID: 970260). Algorithms developed to predict the effect of missense changes on protein structure and function (SIFT, PolyPhen-2, Align-GVGD) all suggest that this variant is likely to be tolerated. In summary, the available evidence is currently insufficient to determine the role of this variant in disease. Therefore, it has been classified as a Variant of Uncertain Significance.

ARUP Laboratories, Molecular Genetics and Genomics, ARUP Laboratories
Classification: Likely benign for Telangiectasia, hereditary hemorrhagic, type 5. Last evaluated: 2021-11-14. Review status: criteria provided, single submitter. Criteria: ARUP Molecular Germline Variant Investigation Process 2021. Collection method: clinical testing. Allele origin: germline.

GeneDx
Classification: Uncertain significance. Last evaluated: 2019-07-09. Review status: criteria provided, single submitter. Criteria: GeneDx Variant Classification Process June 2021. Collection method: clinical testing. Allele origin: germline. Affected: yes.
Comment: Has not been previously published as pathogenic or benign to our knowledge; In silico analysis, which includes protein predictors and evolutionary conservation, supports that this variant does not alter protein structure/function

Literature cited by the submitters: PubMed 31661308 (cited by Labcorp Genetics (formerly Invitae), Labcorp).